The following is an entry in ClinVar:

NM_016653.3(MAP3K20):c.2254A>G (p.Thr752Ala)

Genes: MAP3K20 (mitogen-activated protein kinase kinase kinase 20; plus strand), MAP3K20-AS1 (MAP3K20 antisense RNA 1; minus strand). Cytogenetic location: 2q31.1.
Variant type: single nucleotide variant.
Coding change: c.2254A>G on transcript NM_016653.3 (MANE Select); coding-DNA position 2254, A replaced by G.
Protein change: p.Thr752Ala; replaces threonine 752 with alanine.
Molecular consequence: missense variant.
Genome position (GRCh38, 1-based): chr2:173,266,601, A>G. VCF-style: chr2-173266601-A-G. GRCh37 (hg19) VCF-style: chr2-174131329-A-G.
Other names: short protein forms T752A.
Identifiers: ClinVar variation 1362924 (VCV001362924.5), dbSNP rs1360707286, ClinGen allele CA349318134.

ClinVar aggregate classification (germline): Uncertain significance (1 of 4 stars; one submission).

Allele frequency attached by ClinVar (database versions not stated): gnomAD exomes below 0.00001; gnomAD 0.00001; TOPMed 0.00001.
gnomAD v4.1: 3 of 1,613,820 alleles (0.00019%); highest among the groups gnomAD compares: African/African-American, 0.004%; no homozygotes.

Submission:

Labcorp Genetics (formerly Invitae), Labcorp
Classification: Uncertain significance. Last evaluated: 2021-09-15. Review status: criteria provided, single submitter. Criteria: Invitae Variant Classification Sherloc (09022015). Collection method: clinical testing. Allele origin: germline.
Comment: This sequence change replaces threonine with alanine at codon 752 of the MAP3K20 protein (p.Thr752Ala). The threonine residue is moderately conserved and there is a small physicochemical difference between threonine and alanine. This variant is not present in population databases (ExAC no frequency). This variant has not been reported in the literature in individuals affected with MAP3K20-related conditions. Experimental studies and prediction algorithms are not available or were not evaluated, and the functional significance of this variant is currently unknown. In summary, the available evidence is currently insufficient to determine the role of this variant in disease. Therefore, it has been classified as a Variant of Uncertain Significance.